The following is an entry in ClinVar:

NM_152327.5(AK7):c.1078A>G (p.Lys360Glu)

Gene: AK7 (adenylate kinase 7; plus strand). Cytogenetic location: 14q32.2.
Variant type: single nucleotide variant.
Coding change: c.1078A>G on transcript NM_152327.5 (MANE Select); coding-DNA position 1078, A replaced by G.
Protein change: p.Lys360Glu; replaces lysine 360 with glutamic acid.
Molecular consequence: missense variant.
Genome position (GRCh38, 1-based): chr14:96,451,550, A>G. VCF-style: chr14-96451550-A-G. GRCh37 (hg19) VCF-style: chr14-96917887-A-G.
Other names: c.1078A>G (NM_152327.2, NM_152327.3); c.1078A>G, p.Lys360Glu (NM_001350888.2, NM_001350890.2, NM_001350892.2); c.1000A>G, p.Lys334Glu (NM_001350891.2); short protein forms K334E, K360E.
Identifiers: ClinVar variation 1585855 (VCV001585855.13), dbSNP rs140034560, ClinGen allele CA7337735.

ClinVar aggregate classification (germline): Conflicting classifications of pathogenicity. Review status: criteria provided, conflicting classifications (1 of 4 stars). 4 submissions from 4 submitters: Uncertain significance (2); Benign (1). 1 of the submissions does not count toward it. Last evaluated 2026-01-19.

Conditions:
AK7-related disorder. Also called: AK7-related condition.

Allele frequency attached by ClinVar (database versions not stated): ESP Exome Variant Server 0.00077; 1000 Genomes Project 0.00080; 1000 Genomes Project 30x 0.00094; gnomAD 0.00149 and 0.00158; ExAC 0.00151; gnomAD exomes 0.00166.
gnomAD v4.1: 2,650 of 1,554,048 alleles (0.17%); highest among the groups gnomAD compares: Non-Finnish European, 0.19%; 5 homozygotes.

Submissions (4):

Labcorp Genetics (formerly Invitae), Labcorp
Classification: Benign. Last evaluated: 2026-01-19. Review status: criteria provided, single submitter. Criteria: Invitae Variant Classification Sherloc (09022015). Collection method: clinical testing. Allele origin: germline.

Ambry Genetics
Classification: Uncertain significance. Last evaluated: 2025-11-07. Review status: criteria provided, single submitter. Criteria: Ambry Variant Classification Scheme 2023. Collection method: clinical testing. Allele origin: germline.

GeneDx
Classification: Uncertain significance. Last evaluated: 2025-09-17. Review status: criteria provided, single submitter. Criteria: GeneDx Variant Classification Process June 2021. Collection method: clinical testing. Allele origin: germline.
Comment: In silico analysis supports that this missense variant has a deleterious effect on protein structure/function; Has not been previously published as pathogenic or benign to our knowledge

PreventionGenetics, part of Exact Sciences
Classification: Likely benign for AK7-related condition. Last evaluated: 2019-09-11. Review status: no assertion criteria provided. Collection method: clinical testing. Allele origin: germline. Not counted in ClinVar's aggregate classification.
Comment: This variant is classified as likely benign based on ACMG/AMP sequence variant interpretation guidelines (Richards et al. 2015 PMID: 25741868, with internal and published modifications).